The following is an entry in ClinVar:

Conditions:
Long QT syndrome 5 (LQT5). Identifiers: Orphanet 101016, Orphanet 768, MedGen C1867904, MONDO:0013372, OMIM 613695.

Submission:

Roden Lab, Vanderbilt University Medical Center
No classification provided (evidence only). Condition: Long QT syndrome 5. Review status: no classification provided. Collection method: in vitro. Allele origin: not applicable. Functional consequence: Effect on ion channel function.
ClinVar note: "not provided" was previously submitted as the classification for the variant. However, the classification appeared to be based only on an observation of functional data so it was converted to no classification on 2025-07-30.

NM_000219.6(KCNE1):c.229C>T (p.Pro77Ser)

Gene: KCNE1 (potassium voltage-gated channel subfamily E regulatory subunit 1; minus strand). Cytogenetic location: 21q22.12.
Variant type: single nucleotide variant.
Coding change: c.229C>T on transcript NM_000219.6 (MANE Select); coding-DNA position 229, C replaced by T.
Protein change: p.Pro77Ser; replaces proline 77 with serine.
Molecular consequence: missense variant.
Genome position (GRCh38, 1-based): chr21:34,449,406, G>A on the plus strand (C>T on the coding strand, the complement: KCNE1 is on the minus strand). VCF-style: chr21-34449406-G-A. GRCh37 (hg19) VCF-style: chr21-35821704-G-A.
Other names: c.229C>T, p.Pro77Ser (NM_001127668.4, NM_001127669.4, NM_001127670.4 and 4 more transcripts); short protein forms P77S.
Identifiers: ClinVar variation 3374383 (VCV003374383.2).